The following is an entry in ClinVar:

NM_014003.4(DHX38):c.3593G>A (p.Ser1198Asn)

Gene: DHX38 (DEAH-box helicase 38; plus strand). Cytogenetic location: 16q22.2.
Variant type: single nucleotide variant.
Coding change: c.3593G>A on transcript NM_014003.4 (MANE Select); coding-DNA position 3593, G replaced by A.
Protein change: p.Ser1198Asn; replaces serine 1198 with asparagine.
Molecular consequence: missense variant.
Genome position (GRCh38, 1-based): chr16:72,111,071, G>A. VCF-style: chr16-72111071-G-A. GRCh37 (hg19) VCF-style: chr16-72144970-G-A.
Other names: short protein forms S1198N.
Identifiers: ClinVar variation 3690060 (VCV003690060.3).
Genomic context (GRCh38, chr16:72,111,071, plus strand): 5'-TGGCCGAGGAGCAGCTGCGAGCCCGGCGGCAGGAGCAGGAGAAGCGCAGCCCCCTGGGCA[G>A]TGTCAGGTGAGCTCCGGCCTTCGGGCTCTGGCTGGGGTGGCACCCATCCCAGGAGGCTGC-3'
Protein context (NP_054722.2, residues 1188-1208): QEQEKRSPLG[Ser1198Asn]VRSTKIYTPG

ClinVar aggregate classification (germline): Uncertain significance. Review status: criteria provided, multiple submitters, no conflicts (2 of 4 stars). 2 submissions from 2 submitters: Uncertain significance (2). Last evaluated 2024-12-18.

gnomAD v4.1: 11 of 1,563,288 alleles (0.0007%); highest among the groups gnomAD compares: South Asian, 0.0082%; no homozygotes.

Submissions (2):

Labcorp Genetics (formerly Invitae), Labcorp
Classification: Uncertain significance. Last evaluated: 2024-12-18. Review status: criteria provided, single submitter. Criteria: Invitae Variant Classification Sherloc (09022015). Collection method: clinical testing. Allele origin: germline.
Comment: This sequence change replaces serine, which is neutral and polar, with asparagine, which is neutral and polar, at codon 1198 of the DHX38 protein (p.Ser1198Asn). This variant is not present in population databases (gnomAD no frequency). This variant has not been reported in the literature in individuals affected with DHX38-related conditions. Invitae Evidence Modeling of protein sequence and biophysical properties (such as structural, functional, and spatial information, amino acid conservation, physicochemical variation, residue mobility, and thermodynamic stability) indicates that this missense variant is not expected to disrupt DHX38 protein function with a negative predictive value of 80%. In summary, the available evidence is currently insufficient to determine the role of this variant in disease. Therefore, it has been classified as a Variant of Uncertain Significance.

Blueprint Genetics
Classification: Uncertain significance. Last evaluated: 2022-07-06. Review status: criteria provided, single submitter. Criteria: ACMG Guidelines, 2015. Collection method: clinical testing. Allele origin: germline.